The following is an entry in ClinVar:

NM_003072.5(SMARCA4):c.959C>T (p.Pro320Leu)

Gene: SMARCA4 (SWI/SNF related BAF chromatin remodeling complex subunit ATPase 4; plus strand). Cytogenetic location: 19p13.2.
Variant type: single nucleotide variant.
Coding change: c.959C>T on transcript NM_003072.5 (MANE Select); coding-DNA position 959, C replaced by T.
Protein change: p.Pro320Leu; replaces proline 320 with leucine.
Molecular consequence: missense variant. On other transcripts: non-coding transcript variant (1).
Genome position (GRCh38, 1-based): chr19:10,987,765, C>T. VCF-style: chr19-10987765-C-T. GRCh37 (hg19) VCF-style: chr19-11098441-C-T.
Other names: c.959C>T, p.Pro320Leu (NM_001128844.3, NM_001128845.2, NM_001128846.2 and 5 more transcripts); short protein forms P320L.
Identifiers: ClinVar variation 408609 (VCV000408609.7), dbSNP rs1060502062, ClinGen allele CA16615883.

ClinVar aggregate classification (germline): Uncertain significance. Review status: criteria provided, multiple submitters, no conflicts (2 of 4 stars). 2 submissions from 2 submitters: Uncertain significance (2). Last evaluated 2025-09-19.

Conditions:
Hereditary cancer-predisposing syndrome. Also called: Hereditary Cancer Syndrome; Hereditary neoplastic syndrome; Neoplastic Syndromes, Hereditary; Tumor predisposition. Identifiers: Orphanet 140162, MedGen C0027672, MeSH D009386, MONDO:0015356.
Rhabdoid tumor predisposition syndrome 2 (RTPS2). Identifiers: Orphanet 231108, Orphanet 69077, MedGen C2750074, MONDO:0013224, OMIM 613325.

Allele frequency attached by ClinVar (database versions not stated): gnomAD exomes 0.00001.
gnomAD v4.1: 5 of 1,598,968 alleles (0.00031%); highest among the groups gnomAD compares: East Asian, 0.011%; no homozygotes.

Submissions (2):

Labcorp Genetics (formerly Invitae), Labcorp
Classification: Uncertain significance for Rhabdoid tumor predisposition syndrome 2. Last evaluated: 2025-09-19. Review status: criteria provided, single submitter. Criteria: Invitae Variant Classification Sherloc (09022015). Collection method: clinical testing. Allele origin: germline.
Comment: This sequence change replaces proline, which is neutral and non-polar, with leucine, which is neutral and non-polar, at codon 320 of the SMARCA4 protein (p.Pro320Leu). This variant is not present in population databases (gnomAD no frequency). This variant has not been reported in the literature in individuals affected with SMARCA4-related conditions. ClinVar contains an entry for this variant (Variation ID: 408609). Invitae Evidence Modeling of protein sequence and biophysical properties (such as structural, functional, and spatial information, amino acid conservation, physicochemical variation, residue mobility, and thermodynamic stability) indicates that this missense variant is not expected to disrupt SMARCA4 protein function with a negative predictive value of 95%. In summary, the available evidence is currently insufficient to determine the role of this variant in disease. Therefore, it has been classified as a Variant of Uncertain Significance.

Ambry Genetics
Classification: Uncertain significance for Hereditary cancer-predisposing syndrome. Last evaluated: 2024-09-13. Review status: criteria provided, single submitter. Criteria: Ambry Variant Classification Scheme 2023. Collection method: clinical testing. Allele origin: germline.
Comment: The p.P320L variant (also known as c.959C>T), located in coding exon 5 of the SMARCA4 gene, results from a C to T substitution at nucleotide position 959. The proline at codon 320 is replaced by leucine, an amino acid with similar properties. This amino acid position is conserved. In addition, the in silico prediction for this alteration is inconclusive. Based on the available evidence, the clinical significance of this variant remains unclear.